The following is an entry in ClinVar:

NM_002430.3(MN1):c.397C>T (p.Leu133=)

Gene: MN1 (MN1 proto-oncogene, transcriptional regulator; minus strand). Cytogenetic location: 22q12.1.
Variant type: single nucleotide variant.
Coding change: c.397C>T on transcript NM_002430.3 (MANE Select); coding-DNA position 397, C replaced by T.
Protein change: p.Leu133=; no amino-acid change (leucine 133 retained).
Molecular consequence: synonymous variant.
Genome position (GRCh38, 1-based): chr22:27,800,147, G>A on the plus strand (C>T on the coding strand, the complement: MN1 is on the minus strand). VCF-style: chr22-27800147-G-A. GRCh37 (hg19) VCF-style: chr22-28196135-G-A.
Identifiers: ClinVar variation 2653033 (VCV002653033.24), dbSNP rs1425186878, ClinGen allele CA514168390.

ClinVar aggregate classification (germline): Likely benign (1 of 4 stars; one submission).

Allele frequency attached by ClinVar (database versions not stated): TOPMed below 0.00001; gnomAD 0.00001.
gnomAD v4.1: 14 of 1,555,418 alleles (0.0009%); highest among the groups gnomAD compares: South Asian, 0.0012%; no homozygotes.

Submission:

CeGaT Center for Human Genetics Tuebingen
Classification: Likely benign. Last evaluated: 2023-09-01. Review status: criteria provided, single submitter. Criteria: CeGaT Center For Human Genetics Tuebingen Variant Classification Criteria Version 2. Collection method: clinical testing. Allele origin: germline. Affected: yes. Observed: 1 variant allele.
Comment: MN1: BP4, BP7